The following is an entry in ClinVar:

ClinVar aggregate classification (germline): Uncertain significance (1 of 4 stars; one submission).

Conditions:
Hereditary cancer-predisposing syndrome. Also called: Neoplastic Syndromes, Hereditary; Tumor predisposition; Hereditary neoplastic syndrome; Hereditary Cancer Syndrome. Identifiers: Orphanet 140162, MedGen C0027672, MeSH D009386, MONDO:0015356.

Submission:

Ambry Genetics
Classification: Uncertain significance for Hereditary cancer-predisposing syndrome. Last evaluated: 2024-05-22. Review status: criteria provided, single submitter. Criteria: Ambry Variant Classification Scheme 2023. Collection method: clinical testing. Allele origin: germline.
Comment: The p.D1328G variant (also known as c.3983A>G), located in coding exon 31 of the POLE gene, results from an A to G substitution at nucleotide position 3983. The aspartic acid at codon 1328 is replaced by glycine, an amino acid with similar properties. This amino acid position is conserved. In addition, the in silico prediction for this alteration is inconclusive. Based on the available evidence, the clinical significance of this variant remains unclear.

NM_006231.4(POLE):c.3983A>G (p.Asp1328Gly)

Gene: POLE (DNA polymerase epsilon, catalytic subunit; minus strand). Cytogenetic location: 12q24.33.
Variant type: single nucleotide variant.
Coding change: c.3983A>G on transcript NM_006231.4 (MANE Select); coding-DNA position 3983, A replaced by G.
Protein change: p.Asp1328Gly; replaces aspartic acid 1328 with glycine.
Molecular consequence: missense variant.
Genome position (GRCh38, 1-based): chr12:132,649,328, T>C on the plus strand (A>G on the coding strand, the complement: POLE is on the minus strand). VCF-style: chr12-132649328-T-C. GRCh37 (hg19) VCF-style: chr12-133225914-T-C.
Other names: short protein forms D1328G.
Identifiers: ClinVar variation 3308423 (VCV003308423.1).
Genomic context (GRCh38, chr12:132,649,328, plus strand): 5'-GCAGAGCCACTGCCCTCCCCTTGGATCAAGGTCTATACCTGCACAATCTGCCACGGAAGG[T>C]CCAGGATGCTGCGGGCAGTTCTTCGCAAGAAGCTCCCCAGCCCCGTGGCAGGACCATCCC-3'
Protein context (NP_006222.2, residues 1318-1338): FLRRTARSIL[Asp1328Gly]LPWQIVQISE